The following is an entry in ClinVar:

NM_015330.6(SPECC1L):c.307+5C>T

Genes: SPECC1L (sperm antigen with calponin homology and coiled-coil domains 1 like; plus strand), SPECC1L-ADORA2A (SPECC1L-ADORA2A readthrough (NMD candidate); plus strand). Cytogenetic location: 22q11.23.
Variant type: single nucleotide variant.
Coding change: c.307+5C>T on transcript NM_015330.6 (MANE Select); 5 bases into the intron after coding-DNA position 307, C replaced by T.
Molecular consequence: intron variant.
Genome position (GRCh38, 1-based): chr22:24,313,471, C>T. VCF-style: chr22-24313471-C-T. GRCh37 (hg19) VCF-style: chr22-24709439-C-T.
Other names: c.307+5C>T (NM_001145468.4, NM_001254732.3).
Identifiers: ClinVar variation 4883803 (VCV004883803.2).
Genomic context (GRCh38, chr22:24,313,471, plus strand): 5'-TTCAGCATCTGCCCCTGCCATGACCACCGTGGAGAACAAATCCAAGATTAGCACAGGTAA[C>T]GGTGACATTCAGTCTGAGACTTCAACTGCTTTTTTGTTTGAATGGGCATGATGCATTGGT-3'

ClinVar aggregate classification (germline): Uncertain significance (1 of 4 stars; one submission).

Conditions:
Teebi hypertelorism syndrome 1. Identifiers: Orphanet 1519, MedGen CN306405, MONDO:0800025, OMIM 145420.

gnomAD v4.1: 17 of 1,613,602 alleles (0.0011%); highest among the groups gnomAD compares: Non-Finnish European, 0.0013%; no homozygotes.

Submission:

Dasa
Classification: Uncertain significance for Teebi hypertelorism syndrome 1. Last evaluated: 2025-11-10. Review status: criteria provided, single submitter. Criteria: DASA Assertion Criteria. Collection method: clinical testing. Allele origin: germline.
Comment: NM_015330.6(SPECC1L):c.307+5C>T is a splice-region variant. This variant is rare in population databases. Computational prediction algorithms are consistent with a benign effect. The currently available literature and clinical evidence are not sufficient to establish a definitive association between this variant and the reported condition. Therefore, this variant is classified as a variant of uncertain significance.